The following is an entry in ClinVar:

NM_003632.3(CNTNAP1):c.3209C>T (p.Pro1070Leu)

Gene: CNTNAP1 (contactin associated protein 1; plus strand). Cytogenetic location: 17q21.2.
Variant type: single nucleotide variant.
Coding change: c.3209C>T on transcript NM_003632.3 (MANE Select); coding-DNA position 3209, C replaced by T.
Protein change: p.Pro1070Leu; replaces proline 1070 with leucine.
Molecular consequence: missense variant.
Genome position (GRCh38, 1-based): chr17:42,695,737, C>T. VCF-style: chr17-42695737-C-T. GRCh37 (hg19) VCF-style: chr17-40847755-C-T.
Other names: c.3209C>T (NM_003632.2); short protein forms P1070L.
Identifiers: ClinVar variation 1483598 (VCV001483598.7), dbSNP rs780598071, ClinGen allele CA8582260.

ClinVar aggregate classification (germline): Uncertain significance. Review status: criteria provided, multiple submitters, no conflicts (2 of 4 stars). 2 submissions from 2 submitters: Uncertain significance (2). Last evaluated 2025-01-21.

Conditions:
Inborn genetic diseases. Identifiers: MedGen C0950123, MeSH D030342.

Allele frequency attached by ClinVar (database versions not stated): gnomAD exomes below 0.00001; ExAC 0.00001; gnomAD 0.00005 and 0.00006.

Submissions (2):

Ambry Genetics
Classification: Uncertain significance for Inborn genetic diseases. Last evaluated: 2025-01-21. Review status: criteria provided, single submitter. Criteria: Ambry Variant Classification Scheme 2023. Collection method: clinical testing. Allele origin: germline.

Labcorp Genetics (formerly Invitae), Labcorp
Classification: Uncertain significance. Last evaluated: 2021-12-13. Review status: criteria provided, single submitter. Criteria: Invitae Variant Classification Sherloc (09022015). Collection method: clinical testing. Allele origin: germline.
Comment: In summary, the available evidence is currently insufficient to determine the role of this variant in disease. Therefore, it has been classified as a Variant of Uncertain Significance. Algorithms developed to predict the effect of missense changes on protein structure and function are either unavailable or do not agree on the potential impact of this missense change (SIFT: "Deleterious"; PolyPhen-2: "Possibly Damaging"; Align-GVGD: "Class C0"). This variant has not been reported in the literature in individuals affected with CNTNAP1-related conditions. This variant is present in population databases (rs780598071, gnomAD 0.005%). This sequence change replaces proline, which is neutral and non-polar, with leucine, which is neutral and non-polar, at codon 1070 of the CNTNAP1 protein (p.Pro1070Leu).